The following is an entry in ClinVar:

NM_003235.5(TG):c.7083G>T (p.Ala2361=)

Gene: TG (thyroglobulin; plus strand). Cytogenetic location: 8q24.22.
Variant type: single nucleotide variant.
Coding change: c.7083G>T on transcript NM_003235.5 (MANE Select); coding-DNA position 7083, G replaced by T.
Protein change: p.Ala2361=; no amino-acid change (alanine 2361 retained).
Molecular consequence: synonymous variant.
Genome position (GRCh38, 1-based): chr8:133,029,867, G>T. VCF-style: chr8-133029867-G-T. GRCh37 (hg19) VCF-style: chr8-134042112-G-T.
Identifiers: ClinVar variation 436999 (VCV000436999.45), dbSNP rs116723711, ClinGen allele CA4885130.

ClinVar aggregate classification (germline): Conflicting classifications of pathogenicity. Review status: criteria provided, conflicting classifications (1 of 4 stars). 8 submissions from 8 submitters: Uncertain significance (1); Benign (2); Likely benign (3). 2 of the submissions do not count toward it. Last evaluated 2026-05-11.

Conditions:
Iodotyrosyl coupling defect (TDH3). Also called: THYROID HORMONOGENESIS, GENETIC DEFECT IN, 3; HYPOTHYROIDISM, CONGENITAL, DUE TO DYSHORMONOGENESIS, 3. Identifiers: Orphanet 95716, MedGen C0342194, MONDO:0010135, OMIM 274700.

Allele frequency attached by ClinVar (database versions not stated): gnomAD 0.00239; TOPMed 0.00260; 1000 Genomes Project 30x 0.00265; 1000 Genomes Project 0.00280; ESP Exome Variant Server 0.00354.
gnomAD v4.1: 5,538 of 1,614,216 alleles (0.34%); highest among the groups gnomAD compares: Middle Eastern, 0.56%; 18 homozygotes.

Submissions (8):

Women's Health and Genetics/Laboratory Corporation of America, LabCorp
Classification: Benign. Last evaluated: 2026-05-11. Review status: criteria provided, single submitter. Criteria: LabCorp Variant Classification Summary - May 2015. Collection method: clinical testing. Allele origin: germline.

Labcorp Genetics (formerly Invitae), Labcorp
Classification: Benign. Last evaluated: 2026-02-04. Review status: criteria provided, single submitter. Criteria: Invitae Variant Classification Sherloc (09022015). Collection method: clinical testing. Allele origin: germline.

Blueprint Genetics
Classification: Likely benign. Last evaluated: 2024-11-06. Review status: criteria provided, single submitter. Criteria: ACMG Guidelines, 2015. Collection method: clinical testing. Allele origin: germline.

CeGaT Center for Human Genetics Tuebingen
Classification: Likely benign. Last evaluated: 2023-03-01. Review status: criteria provided, single submitter. Criteria: CeGaT Center For Human Genetics Tuebingen Variant Classification Criteria Version 2. Collection method: clinical testing. Allele origin: germline. Affected: yes. Observed: 8 variant alleles.
Comment: TG: BP4, BP7, BS2

Illumina Laboratory Services, Illumina
Classification: Uncertain significance for Iodotyrosyl coupling defect. Last evaluated: 2018-01-13. Review status: criteria provided, single submitter. Criteria: ICSL Variant Classification Criteria 13 December 2019. Collection method: clinical testing. Allele origin: germline.

Genetic Services Laboratory, University of Chicago
Classification: Likely benign. Last evaluated: 2016-11-07. Review status: criteria provided, single submitter. Criteria: ACMG Guidelines, 2015. Collection method: clinical testing. Allele origin: germline. Affected: no.

Clinical Genetics DNA and cytogenetics Diagnostics Lab, Erasmus MC, Erasmus Medical Center
Classification: Likely benign. Review status: no assertion criteria provided. Collection method: clinical testing. Allele origin: germline. Affected: yes. Study: VKGL Data-share Consensus. Not counted in ClinVar's aggregate classification.

Clinical Genetics, Academic Medical Center
Classification: Likely benign. Review status: no assertion criteria provided. Collection method: clinical testing. Allele origin: germline. Affected: yes. Study: VKGL Data-share Consensus. Not counted in ClinVar's aggregate classification.